The following is an entry in ClinVar:

ClinVar aggregate classification (germline): Likely pathogenic (1 of 4 stars; one submission).

Conditions:
Hereditary breast ovarian cancer syndrome. Also called: Hereditary breast and ovarian cancer syndrome; Hereditary breast and ovarian cancer; Hereditary breast and ovarian cancer syndrome (HBOC); Breast and ovarian cancer; Hereditary breast and/or ovarian cancer syndrome; BRCA1- and BRCA2-Associated Hereditary Breast and Ovarian Cancer. Identifiers: Orphanet 145, MedGen C0677776, MeSH D061325, MONDO:0003582. Disease mechanism: loss of function.

Submission:

Labcorp Genetics (formerly Invitae), Labcorp
Classification: Likely pathogenic for Hereditary breast ovarian cancer syndrome. Last evaluated: 2022-01-20. Review status: criteria provided, single submitter. Criteria: Invitae Variant Classification Sherloc (09022015). Collection method: clinical testing. Allele origin: unknown.
Comment: In summary, the currently available evidence indicates that the variant is pathogenic, but additional data are needed to prove that conclusively. Therefore, this variant has been classified as Likely Pathogenic. This variant has not been reported in the literature in individuals affected with BRCA2-related conditions. This variant results in the deletion of part of exon 11 (c.6816_6841+1534del) of the BRCA2 gene. It is expected to disrupt RNA splicing. Variants that disrupt the donor or acceptor splice site typically lead to a loss of protein function (PMID: 16199547), and loss-of-function variants in BRCA2 are known to be pathogenic (PMID: 20104584).

Literature cited by the submitters: PubMed 16199547; PubMed 20104584.

NC_000013.10:g.(?_32915303)_(32916862_?)del

Gene: BRCA2 (BRCA2 DNA repair associated; plus strand). Cytogenetic location: 13q13.1.
Variant type: Deletion.
Identifiers: ClinVar variation 3244178 (VCV003244178.1).